The following is an entry in ClinVar:

ClinVar aggregate classification (germline): Uncertain significance. Review status: criteria provided, single submitter (1 of 4 stars). 2 submissions from 2 submitters: Uncertain significance (1). 1 of the submissions does not count toward it. Last evaluated 2024-02-01.

Conditions:
Pheochromocytoma. Also called: MAX-Related Hereditary Paraganglioma-Pheochromocytoma Syndrome. Identifiers: Orphanet 29072, MedGen C0031511, MONDO:0008233, OMIM 171300, HP:0002666.

Submissions (2):

CeGaT Center for Human Genetics Tuebingen
Classification: Uncertain significance. Last evaluated: 2024-02-01. Review status: criteria provided, single submitter. Criteria: CeGaT Center For Human Genetics Tuebingen Variant Classification Criteria Version 2. Collection method: clinical testing. Allele origin: germline. Affected: yes. Observed: 1 variant allele.
Comment: SDHB: PM2, PS4:Supporting

Endocrinology Clinic, Seth G.S. Medical College
Classification: Likely pathogenic for Pheochromocytoma. Last evaluated: 2015-12-01. Review status: no assertion criteria provided. Collection method: research. Allele origin: germline. Inheritance: Autosomal dominant inheritance. Affected: yes. Study: Spectrum of Germline Mutations in Indian Patients with Pheochromocytoma/ Paraganglioma (PHEO/PGL). Not counted in ClinVar's aggregate classification.

NM_003000.3(SDHB):c.251A>C (p.Asp84Ala)

Gene: SDHB (succinate dehydrogenase complex iron sulfur subunit B; minus strand). Cytogenetic location: 1p36.13.
Variant type: single nucleotide variant.
Coding change: c.251A>C on transcript NM_003000.3 (MANE Select); coding-DNA position 251, A replaced by C.
Protein change: p.Asp84Ala; replaces aspartic acid 84 with alanine.
Molecular consequence: missense variant.
Genome position (GRCh38, 1-based): chr1:17,033,095, T>G on the plus strand (A>C on the coding strand, the complement: SDHB is on the minus strand). VCF-style: chr1-17033095-T-G. GRCh37 (hg19) VCF-style: chr1-17359590-T-G.
Other names: short protein forms D84A.
Identifiers: ClinVar variation 219153 (VCV000219153.23), dbSNP rs864321637, ClinGen allele CA279941.